The following is an entry in ClinVar:

NM_001145026.2(PTPRQ):c.6333A>G (p.Arg2111=)

Gene: PTPRQ (protein tyrosine phosphatase receptor type Q; plus strand). Cytogenetic location: 12q21.31.
Variant type: single nucleotide variant.
Coding change: c.6333A>G on transcript NM_001145026.2 (MANE Select); coding-DNA position 6333, A replaced by G.
Protein change: p.Arg2111=; no amino-acid change (arginine 2111 retained).
Molecular consequence: synonymous variant.
Genome position (GRCh38, 1-based): chr12:80,669,344, A>G. VCF-style: chr12-80669344-A-G. GRCh37 (hg19) VCF-style: chr12-81063123-A-G.
Identifiers: ClinVar variation 2502538 (VCV002502538.1), dbSNP rs780857445, ClinGen allele CA6702944.

ClinVar aggregate classification (germline): Uncertain significance (1 of 4 stars; one submission).

Allele frequency attached by ClinVar (database versions not stated): TOPMed below 0.00001; gnomAD 0.00001; gnomAD exomes 0.00003; ExAC 0.00005.
gnomAD v4.1: 38 of 1,549,524 alleles (0.0025%); highest among the groups gnomAD compares: South Asian, 0.03%; no homozygotes.

Submission:

GeneDx
Classification: Uncertain significance. Last evaluated: 2022-11-16. Review status: criteria provided, single submitter. Criteria: GeneDx Variant Classification Process June 2021. Collection method: clinical testing. Allele origin: germline. Affected: yes.
Comment: In silico analysis supports that this variant does not alter splicing; Has not been previously published as pathogenic or benign to our knowledge